The following is an entry in ClinVar:

NM_000130.5(F5):c.730+7C>T

Gene: F5 (coagulation factor V; minus strand). Cytogenetic location: 1q24.2.
Variant type: single nucleotide variant.
Coding change: c.730+7C>T on transcript NM_000130.5 (MANE Select); 7 bases into the intron after coding-DNA position 730, C replaced by T.
Molecular consequence: intron variant.
Genome position (GRCh38, 1-based): chr1:169,559,146, G>A on the plus strand (C>T on the coding strand, the complement: F5 is on the minus strand). VCF-style: chr1-169559146-G-A. GRCh37 (hg19) VCF-style: chr1-169528384-G-A.
Other names: p.?.
Identifiers: ClinVar variation 255216 (VCV000255216.15), dbSNP rs6023, ClinGen allele CA1234532.

ClinVar aggregate classification (germline): Benign/Likely benign. Review status: criteria provided, multiple submitters, no conflicts (2 of 4 stars). 9 submissions from 7 submitters: Benign (7); Likely benign (1). 1 of the submissions does not count toward it. Last evaluated 2026-02-04.

Conditions:
Congenital factor V deficiency. Also called: LABILE FACTOR DEFICIENCY; OWREN PARAHEMOPHILIA; PARAHEMOPHILIA; Hereditary factor V deficiency disease. Identifiers: Orphanet 326, MedGen C0015499, MONDO:0009210, OMIM 227400.
Thrombophilia due to thrombin defect (THPH1). Also called: Thrombosis susceptibility; THROMBOPHILIA DUE TO FACTOR 2 DEFECT; Prothrombin-Related Thrombophilia (Factor II); Prothrombin Thrombophilia. Identifiers: MedGen C3160733, MONDO:0008559, OMIM 188050. Disease mechanism: gain of function, loss of function.
Budd-Chiari syndrome (BDCHS). Also called: Hepatic vein obstruction. Identifiers: Orphanet 131, MedGen C0856761, MONDO:0010947, OMIM 600880, HP:0002639.
Factor V deficiency. Also called: Reduced coagulation factor V activity. Identifiers: Orphanet 326, MedGen C4317320, MONDO:0020586, HP:0003225.

Allele frequency attached by ClinVar (database versions not stated): 1000 Genomes Project 30x 0.03076; 1000 Genomes Project 0.03235; gnomAD 0.05643 and 0.05754; ExAC 0.05821; gnomAD exomes 0.05848 and 0.07562; TOPMed 0.05850; ESP Exome Variant Server 0.06566.
gnomAD v4.1: 118,829 of 1,613,268 alleles (7.4%); highest among the groups gnomAD compares: Non-Finnish European, 8.6%; 4,966 homozygotes.

Submissions (9):

Labcorp Genetics (formerly Invitae), Labcorp
Classification: Benign for Congenital factor V deficiency. Last evaluated: 2026-02-04. Review status: criteria provided, single submitter. Criteria: Invitae Variant Classification Sherloc (09022015). Collection method: clinical testing. Allele origin: germline.

GeneDx
Classification: Benign. Last evaluated: 2021-05-11. Review status: criteria provided, single submitter. Criteria: GeneDx Variant Classification Process June 2021. Collection method: clinical testing. Allele origin: germline. Affected: yes.

Illumina Laboratory Services, Illumina
Classification: Benign for Budd-Chiari syndrome. Last evaluated: 2018-01-13. Review status: criteria provided, single submitter. Criteria: ICSL Variant Classification Criteria 13 December 2019. Collection method: clinical testing. Allele origin: germline.
Comment: This variant was observed in the ICSL laboratory as part of a predisposition screen in an ostensibly healthy population. It had not been previously curated by ICSL or reported in the Human Gene Mutation Database (HGMD: prior to June 1st, 2018), and was therefore a candidate for classification through an automated scoring system. Utilizing variant allele frequency, disease prevalence and penetrance estimates, and inheritance mode, an automated score was calculated to assess if this variant is too frequent to cause the disease. Based on the score and internal cut-off values, a variant classified as benign is not then subjected to further curation. The score for this variant resulted in a classification of benign for this disease.

Illumina Laboratory Services, Illumina
Classification: Benign for Congenital factor V deficiency. Last evaluated: 2018-01-13. Review status: criteria provided, single submitter. Criteria: ICSL Variant Classification Criteria 13 December 2019. Collection method: clinical testing. Allele origin: germline.
Comment: the same text as in the submission from Illumina Laboratory Services, Illumina above.

Illumina Laboratory Services, Illumina
Classification: Benign for Venous thrombosis. Last evaluated: 2018-01-13. Review status: criteria provided, single submitter. Criteria: ICSL Variant Classification Criteria 13 December 2019. Collection method: clinical testing. Allele origin: germline.
Comment: the same text as in the submission from Illumina Laboratory Services, Illumina above.

Mayo Clinic Laboratories, Mayo Clinic
Classification: Benign. Last evaluated: 2016-05-25. Review status: criteria provided, single submitter. Criteria: ACMG Guidelines, 2015. Collection method: clinical testing. Allele origin: germline. Observed: 24 variant alleles.

Breakthrough Genomics
Classification: Likely benign. Review status: criteria provided, single submitter. Criteria: ACMG Guidelines, 2015. Collection method: not provided. Allele origin: germline. Inheritance: Autosomal recessive inheritance. Affected: yes.

PreventionGenetics, part of Exact Sciences
Classification: Benign. Review status: criteria provided, single submitter. Criteria: ACMG Guidelines, 2015. Collection method: clinical testing. Allele origin: germline.

Department of Pathology and Laboratory Medicine, Sinai Health System
Classification: Uncertain significance. Review status: no assertion criteria provided. Collection method: clinical testing. Allele origin: unknown. Affected: yes. Study: The Canadian Open Genetics Repository (COGR). Not counted in ClinVar's aggregate classification.
Comment: multiple AR variants in same gene - keep for nowAllele frequency is common in at least one population database (frequency: 9.27% in gnomAD_ExomesFounderPop) based on the frequency threshold of 5.0% for this gene.Variant was observed in a homozygous state in population databases more than expected for disease.